The following is an entry in ClinVar:

NM_004821.3(HAND1):c.10G>A (p.Val4Met)

Gene: HAND1 (heart and neural crest derivatives expressed 1; minus strand). Cytogenetic location: 5q33.2.
Variant type: single nucleotide variant.
Coding change: c.10G>A on transcript NM_004821.3 (MANE Select); coding-DNA position 10, G replaced by A.
Protein change: p.Val4Met; replaces valine 4 with methionine.
Molecular consequence: missense variant.
Genome position (GRCh38, 1-based): chr5:154,477,999, C>T on the plus strand (G>A on the coding strand, the complement: HAND1 is on the minus strand). VCF-style: chr5-154477999-C-T. GRCh37 (hg19) VCF-style: chr5-153857559-C-T.
Other names: short protein forms V4M.
Identifiers: ClinVar variation 1720871 (VCV001720871.6), dbSNP rs767528053, ClinGen allele CA3526660.

ClinVar aggregate classification (germline): Uncertain significance (1 of 4 stars; one submission).

Conditions:
Hypoplastic left heart syndrome. Also called: Hypoplastic left ventricle; Hypoplastic left heart. Identifiers: Orphanet 2248, MedGen C0152101, MONDO:0004933, HP:0004383.

Allele frequency attached by ClinVar (database versions not stated): gnomAD exomes below 0.00001; ExAC 0.00001.

Submission:

Labcorp Genetics (formerly Invitae), Labcorp
Classification: Uncertain significance for Hypoplastic left heart syndrome. Last evaluated: 2022-10-03. Review status: criteria provided, single submitter. Criteria: Invitae Variant Classification Sherloc (09022015). Collection method: clinical testing. Allele origin: germline.
Comment: In summary, the available evidence is currently insufficient to determine the role of this variant in disease. Therefore, it has been classified as a Variant of Uncertain Significance. Algorithms developed to predict the effect of missense changes on protein structure and function are either unavailable or do not agree on the potential impact of this missense change (SIFT: "Deleterious"; PolyPhen-2: "Possibly Damaging"; Align-GVGD: "Class C0"). This variant has not been reported in the literature in individuals affected with HAND1-related conditions. This variant is present in population databases (rs767528053, gnomAD 0.001%). This sequence change replaces valine, which is neutral and non-polar, with methionine, which is neutral and non-polar, at codon 4 of the HAND1 protein (p.Val4Met).